The following is an entry in ClinVar:

ClinVar aggregate classification (germline): Benign/Likely benign. Review status: criteria provided, multiple submitters, no conflicts (2 of 4 stars). 3 submissions from 3 submitters: Benign (1); Likely benign (2). Last evaluated 2024-07-26.

Conditions:
Hereditary cancer-predisposing syndrome. Also called: Neoplastic Syndromes, Hereditary; Tumor predisposition; Hereditary Cancer Syndrome; Hereditary neoplastic syndrome. Identifiers: Orphanet 140162, MedGen C0027672, MeSH D009386, MONDO:0015356.
Familial cancer of breast. Also called: BREAST CANCER, FAMILIAL; Hereditary breast cancer; hereditary breast carcinoma. Identifiers: Orphanet 227535, MedGen C0346153, MONDO:0016419, OMIM 114480. Disease mechanism: loss of function.

Submissions (3):

Myriad Genetics, Inc.
Classification: Benign for Familial cancer of breast. Last evaluated: 2024-07-26. Review status: criteria provided, single submitter. Criteria: Myriad Autosomal Dominant, Autosomal Recessive and X-Linked Classification Criteria (2023). Collection method: clinical testing. Allele origin: unknown.
Comment: This variant is considered benign. This variant is a silent/synonymous amino acid change and it is not expected to impact splicing.

Labcorp Genetics (formerly Invitae), Labcorp
Classification: Likely benign for Familial cancer of breast. Last evaluated: 2023-02-01. Review status: criteria provided, single submitter. Criteria: Invitae Variant Classification Sherloc (09022015). Collection method: clinical testing. Allele origin: germline.

Ambry Genetics
Classification: Likely benign for Hereditary cancer-predisposing syndrome. Last evaluated: 2021-12-28. Review status: criteria provided, single submitter. Criteria: Ambry Variant Classification Scheme 2023. Collection method: clinical testing. Allele origin: germline.

NM_000465.4(BARD1):c.1767A>T (p.Ala589=)

Gene: BARD1 (BRCA1 associated RING domain 1; minus strand). Cytogenetic location: 2q35.
Variant type: single nucleotide variant.
Coding change: c.1767A>T on transcript NM_000465.4 (MANE Select); coding-DNA position 1767, A replaced by T.
Protein change: p.Ala589=; no amino-acid change (alanine 589 retained).
Molecular consequence: synonymous variant. On other transcripts: non-coding transcript variant (3), intron variant (1).
Genome position (GRCh38, 1-based): chr2:214,745,765, T>A on the plus strand (A>T on the coding strand, the complement: BARD1 is on the minus strand). VCF-style: chr2-214745765-T-A. GRCh37 (hg19) VCF-style: chr2-215610489-T-A.
Other names: c.1710A>T, p.Ala570= (NM_001282543.2); c.414A>T, p.Ala138= (NM_001282545.2); c.357A>T, p.Ala119= (NM_001282548.2); c.365-15257A>T (NM_001282549.2).
Identifiers: ClinVar variation 1779696 (VCV001779696.6), dbSNP rs1553615121, ClinGen allele CA431145878.